The following is an entry in ClinVar:

NM_000059.4(BRCA2):c.4201G>A (p.Gly1401Ser)

Gene: BRCA2 (BRCA2 DNA repair associated; plus strand). Cytogenetic location: 13q13.1.
Variant type: single nucleotide variant.
Coding change: c.4201G>A on transcript NM_000059.4 (MANE Select); coding-DNA position 4201, G replaced by A.
Protein change: p.Gly1401Ser; replaces glycine 1401 with serine.
Molecular consequence: missense variant.
Genome position (GRCh38, 1-based): chr13:32,338,556, G>A. VCF-style: chr13-32338556-G-A. GRCh37 (hg19) VCF-style: chr13-32912693-G-A.
Other names: short protein forms G1401S.
Identifiers: ClinVar variation 1043579 (VCV001043579.13), dbSNP rs2072498754, ClinGen allele CA387780213.

ClinVar aggregate classification (germline): Conflicting classifications of pathogenicity. Review status: criteria provided, conflicting classifications (1 of 4 stars). 4 submissions from 4 submitters: Uncertain significance (2); Likely benign (2). Last evaluated 2024-12-23.

Conditions:
Hereditary cancer-predisposing syndrome. Also called: Hereditary Cancer Syndrome; Tumor predisposition; Hereditary neoplastic syndrome; Neoplastic Syndromes, Hereditary. Identifiers: Orphanet 140162, MedGen C0027672, MeSH D009386, MONDO:0015356.
Hereditary breast ovarian cancer syndrome. Also called: Hereditary breast and ovarian cancer syndrome (HBOC); Breast and ovarian cancer; Hereditary breast and ovarian cancer syndrome; Hereditary breast and ovarian cancer; Hereditary breast and/or ovarian cancer syndrome; BRCA1- and BRCA2-Associated Hereditary Breast and Ovarian Cancer. Identifiers: Orphanet 145, MedGen C0677776, MeSH D061325, MONDO:0003582. Disease mechanism: loss of function.

Submissions (4):

Ambry Genetics
Classification: Likely benign for Hereditary cancer-predisposing syndrome. Last evaluated: 2024-12-23. Review status: criteria provided, single submitter. Criteria: Ambry Variant Classification Scheme 2023. Collection method: clinical testing. Allele origin: germline.

Labcorp Genetics (formerly Invitae), Labcorp
Classification: Uncertain significance for Hereditary breast ovarian cancer syndrome. Last evaluated: 2024-04-22. Review status: criteria provided, single submitter. Criteria: Invitae Variant Classification Sherloc (09022015). Collection method: clinical testing. Allele origin: germline.
Comment: This sequence change replaces glycine, which is neutral and non-polar, with serine, which is neutral and polar, at codon 1401 of the BRCA2 protein (p.Gly1401Ser). This variant is not present in population databases (gnomAD no frequency). This variant has not been reported in the literature in individuals affected with BRCA2-related conditions. ClinVar contains an entry for this variant (Variation ID: 1043579). Advanced modeling of protein sequence and biophysical properties (such as structural, functional, and spatial information, amino acid conservation, physicochemical variation, residue mobility, and thermodynamic stability) performed at Invitae indicates that this missense variant is not expected to disrupt BRCA2 protein function with a negative predictive value of 95%. In summary, the available evidence is currently insufficient to determine the role of this variant in disease. Therefore, it has been classified as a Variant of Uncertain Significance.

University of Washington Department of Laboratory Medicine, University of Washington
Classification: Likely benign for Hereditary cancer-predisposing syndrome. Last evaluated: 2023-03-23. Review status: criteria provided, single submitter. Criteria: Dines et al. (Genet Med. 2020). Collection method: curation. Allele origin: germline.
Comment: Missense variant in a coldspot region where missense variants are very unlikely to be pathogenic (PMID:31911673).

BRCA2 exon 11 coldspot. Reclassification based on statistical prior probability.

GeneDx
Classification: Uncertain significance. Last evaluated: 2019-08-15. Review status: criteria provided, single submitter. Criteria: GeneDx Variant Classification Process June 2021. Collection method: clinical testing. Allele origin: germline. Affected: yes.
Comment: Not observed in large population cohorts (Lek 2016); In silico analysis, which includes protein predictors and evolutionary conservation, supports that this variant does not alter protein structure/function; Has not been previously published as pathogenic or benign to our knowledge